The following is an entry in ClinVar:

ClinVar aggregate classification (germline): Uncertain significance (1 of 4 stars; one submission).

Conditions:
Hereditary pancreatitis (PCTT). Also called: Hereditary chronic pancreatitis; PRSS1-Related Hereditary Pancreatitis. Identifiers: Orphanet 676, MedGen C0238339, MONDO:0008185, OMIM 167800.

Submission:

Ambry Genetics
Classification: Uncertain significance for Hereditary pancreatitis. Last evaluated: 2025-07-25. Review status: criteria provided, single submitter. Criteria: Ambry Variant Classification Scheme 2023. Collection method: clinical testing. Allele origin: germline.
Comment: The p.S99Y variant (also known as c.296C>A), located in coding exon 4 of the CTRC gene, results from a C to A substitution at nucleotide position 296. The serine at codon 99 is replaced by tyrosine, an amino acid with dissimilar properties. This amino acid position is conserved. In addition, this alteration is predicted to be tolerated by in silico analysis. Based on the available evidence, the clinical significance of this variant remains unclear.

NM_007272.3(CTRC):c.296C>A (p.Ser99Tyr)

Gene: CTRC (chymotrypsin C; plus strand). Cytogenetic location: 1p36.21.
Variant type: single nucleotide variant.
Coding change: c.296C>A on transcript NM_007272.3 (MANE Select); coding-DNA position 296, C replaced by A.
Protein change: p.Ser99Tyr; replaces serine 99 with tyrosine.
Molecular consequence: missense variant.
Genome position (GRCh38, 1-based): chr1:15,442,512, C>A. VCF-style: chr1-15442512-C-A. GRCh37 (hg19) VCF-style: chr1-15769008-C-A.
Other names: short protein forms S99Y.
Identifiers: ClinVar variation 4235802 (VCV004235802.1).